The following is an entry in ClinVar:

NM_001365480.1(CCDC88A):c.4649C>T (p.Ser1550Phe)

Gene: CCDC88A (coiled-coil domain containing 88A; minus strand). Cytogenetic location: 2p16.1.
Variant type: single nucleotide variant.
Coding change: c.4649C>T on transcript NM_001365480.1 (MANE Select); coding-DNA position 4649, C replaced by T.
Protein change: p.Ser1550Phe; replaces serine 1550 with phenylalanine.
Molecular consequence: missense variant.
Genome position (GRCh38, 1-based): chr2:55,301,895, G>A on the plus strand (C>T on the coding strand, the complement: CCDC88A is on the minus strand). VCF-style: chr2-55301895-G-A. GRCh37 (hg19) VCF-style: chr2-55529031-G-A.
Other names: c.4646C>T, p.Ser1549Phe (NM_001135597.2, NM_001254943.2); c.4565C>T, p.Ser1522Phe (NM_018084.5); short protein forms S1522F, S1550F, S1549F.
Identifiers: ClinVar variation 1900240 (VCV001900240.4), dbSNP rs763151792, ClinGen allele CA1665534.

ClinVar aggregate classification (germline): Uncertain significance (1 of 4 stars; one submission).

Allele frequency attached by ClinVar (database versions not stated): ExAC 0.00001.
gnomAD v4.1: 2 of 1,614,102 alleles (0.00012%); highest among the groups gnomAD compares: Non-Finnish European, 0.00017%; no homozygotes.

Submission:

Labcorp Genetics (formerly Invitae), Labcorp
Classification: Uncertain significance. Last evaluated: 2024-12-09. Review status: criteria provided, single submitter. Criteria: Invitae Variant Classification Sherloc (09022015). Collection method: clinical testing. Allele origin: germline.
Comment: This sequence change replaces serine, which is neutral and polar, with phenylalanine, which is neutral and non-polar, at codon 1549 of the CCDC88A protein (p.Ser1549Phe). This variant is present in population databases (rs763151792, gnomAD 0.0009%). This variant has not been reported in the literature in individuals affected with CCDC88A-related conditions. ClinVar contains an entry for this variant (Variation ID: 1900240). An algorithm developed to predict the effect of missense changes on protein structure and function (PolyPhen-2) suggests that this variant is likely to be disruptive. In summary, the available evidence is currently insufficient to determine the role of this variant in disease. Therefore, it has been classified as a Variant of Uncertain Significance.